The following is an entry in ClinVar:

ClinVar aggregate classification (germline): Uncertain significance (1 of 4 stars; one submission).

Allele frequency attached by ClinVar (database versions not stated): gnomAD exomes below 0.00001.
gnomAD v4.1: 2 of 1,613,246 alleles (0.00012%); highest among the groups gnomAD compares: South Asian, 0.0022%; no homozygotes.

Submission:

GeneDx
Classification: Uncertain significance. Last evaluated: 2019-10-18. Review status: criteria provided, single submitter. Criteria: GeneDx Variant Classification Process June 2021. Collection method: clinical testing. Allele origin: germline. Affected: yes.
Comment: Not observed at a significant frequency in large population cohorts (Lek et al., 2016); In silico analysis, which includes protein predictors and evolutionary conservation, supports that this variant does not alter protein structure/function; Has not been previously published as pathogenic or benign to our knowledge

NM_013275.6(ANKRD11):c.4615G>A (p.Glu1539Lys)

Gene: ANKRD11 (ankyrin repeat domain containing 11; minus strand). Cytogenetic location: 16q24.3.
Variant type: single nucleotide variant.
Coding change: c.4615G>A on transcript NM_013275.6 (MANE Select); coding-DNA position 4615, G replaced by A.
Protein change: p.Glu1539Lys; replaces glutamic acid 1539 with lysine.
Molecular consequence: missense variant.
Genome position (GRCh38, 1-based): chr16:89,281,927, C>T on the plus strand (G>A on the coding strand, the complement: ANKRD11 is on the minus strand). VCF-style: chr16-89281927-C-T. GRCh37 (hg19) VCF-style: chr16-89348335-C-T.
Other names: c.4615G>A, p.Glu1539Lys (NM_001256182.2, NM_001256183.2); short protein forms E1539K.
Identifiers: ClinVar variation 1309314 (VCV001309314.2), dbSNP rs1232258259, ClinGen allele CA397157187.